The following is an entry in ClinVar:

ClinVar aggregate classification (germline): Uncertain significance (1 of 4 stars; one submission).

Allele frequency attached by ClinVar (database versions not stated): gnomAD 0.00001; TOPMed 0.00001.
gnomAD v4.1: 3 of 1,610,730 alleles (0.00019%); highest among the groups gnomAD compares: African/African-American, 0.0027%; no homozygotes.

Submission:

Labcorp Genetics (formerly Invitae), Labcorp
Classification: Uncertain significance. Last evaluated: 2023-10-03. Review status: criteria provided, single submitter. Criteria: Invitae Variant Classification Sherloc (09022015). Collection method: clinical testing. Allele origin: germline.
Comment: This sequence change affects codon 475 of the WDR1 mRNA. It is a 'silent' change, meaning that it does not change the encoded amino acid sequence of the WDR1 protein. This variant is not present in population databases (gnomAD no frequency). This variant has not been reported in the literature in individuals affected with WDR1-related conditions. ClinVar contains an entry for this variant (Variation ID: 1348104). Algorithms developed to predict the effect of sequence changes on RNA splicing suggest that this variant may create or strengthen a splice site. In summary, the available evidence is currently insufficient to determine the role of this variant in disease. Therefore, it has been classified as a Variant of Uncertain Significance.

NM_017491.5(WDR1):c.1425G>A (p.Leu475=)

Gene: WDR1 (WD repeat domain 1; minus strand). Cytogenetic location: 4p16.1.
Variant type: single nucleotide variant.
Coding change: c.1425G>A on transcript NM_017491.5 (MANE Select); coding-DNA position 1425, G replaced by A.
Protein change: p.Leu475=; no amino-acid change (leucine 475 retained).
Molecular consequence: synonymous variant.
Genome position (GRCh38, 1-based): chr4:10,077,897, C>T on the plus strand (G>A on the coding strand, the complement: WDR1 is on the minus strand). VCF-style: chr4-10077897-C-T. GRCh37 (hg19) VCF-style: chr4-10079521-C-T.
Other names: c.1005G>A, p.Leu335= (NM_005112.5).
Identifiers: ClinVar variation 1348104 (VCV001348104.7), dbSNP rs1382537833, ClinGen allele CA438531570.
Genomic context (GRCh38, chr4:10,077,897, plus strand): 5'-CACGTCGGTCACGGGGCCCTTGGCCTCTAGGAGCTTGCCCTCATCCTTCAGCGTGGTGCC[C>T]AGGATGGAATACAGGCGGACGTTGCCGTCCTACGGCAGGGACAGAGAGGAAGTGAGCCAC-3'
Protein context (NP_059830.1, residues 465-485): VDGNVRLYSI[Leu475=]GTTLKDEGKL